The following is an entry in ClinVar:

NM_001271.4(CHD2):c.5051A>G (p.His1684Arg)

Gene: CHD2 (chromodomain helicase DNA binding protein 2; plus strand). Cytogenetic location: 15q26.1.
Variant type: single nucleotide variant.
Coding change: c.5051A>G on transcript NM_001271.4 (MANE Select); coding-DNA position 5051, A replaced by G.
Protein change: p.His1684Arg; replaces histidine 1684 with arginine.
Molecular consequence: missense variant.
Genome position (GRCh38, 1-based): chr15:93,020,156, A>G. VCF-style: chr15-93020156-A-G. GRCh37 (hg19) VCF-style: chr15-93563386-A-G.
Other names: short protein forms H1684R.
Identifiers: ClinVar variation 578172 (VCV000578172.12), dbSNP rs770784804, ClinGen allele CA393907794.
Genomic context (GRCh38, chr15:93,020,156, plus strand): 5'-AGTATGAGCAGCACTGGTACAAGGACCACCATTATGGGGACCGGCGACATATGGATGCCC[A>G]CCGTTCCGGAAGCTATCGACCCAACAACATGTCCAGAAAGAGGCCTTATGACCAGTACAG-3'
Protein context (NP_001262.3, residues 1674-1694): HYGDRRHMDA[His1684Arg]RSGSYRPNNM

ClinVar aggregate classification (germline): Conflicting classifications of pathogenicity. Review status: criteria provided, conflicting classifications (1 of 4 stars). 2 submissions from 2 submitters: Uncertain significance (1); Likely benign (1). Last evaluated 2018-10-18.

Conditions:
Inborn genetic diseases. Identifiers: MedGen C0950123, MeSH D030342.
Developmental and epileptic encephalopathy 94 (DEE94). Also called: CHD2-Related Neurodevelopmental Disorders; Epileptic encephalopathy, childhood-onset. Identifiers: Orphanet 1942, Orphanet 2382, MedGen C3809278, MONDO:0014150, OMIM 615369.

Submissions (2):

Labcorp Genetics (formerly Invitae), Labcorp
Classification: Likely benign for Developmental and epileptic encephalopathy 94. Last evaluated: 2018-10-18. Review status: criteria provided, single submitter. Criteria: Invitae Variant Classification Sherloc (09022015). Collection method: clinical testing. Allele origin: germline.

Ambry Genetics
Classification: Uncertain significance for Inborn genetic diseases. Last evaluated: 2018-01-17. Review status: criteria provided, single submitter. Criteria: Ambry Variant Classification Scheme 2023. Collection method: clinical testing. Allele origin: germline.
Comment: The p.H1684R variant (also known as c.5051A>G), located in coding exon 37 of the CHD2 gene, results from an A to G substitution at nucleotide position 5051. The histidine at codon 1684 is replaced by arginine, an amino acid with highly similar properties. This amino acid position is not well conserved in available vertebrate species. In addition, the in silico prediction for this alteration is inconclusive. Since supporting evidence is limited at this time, the clinical significance of this alteration remains unclear.